The following is an entry in ClinVar:

NM_004429.5(EFNB1):c.835G>A (p.Ala279Thr)

Gene: EFNB1 (ephrin B1; plus strand). Cytogenetic location: Xq13.1.
Variant type: single nucleotide variant.
Coding change: c.835G>A on transcript NM_004429.5 (MANE Select); coding-DNA position 835, G replaced by A.
Protein change: p.Ala279Thr; replaces alanine 279 with threonine.
Molecular consequence: missense variant.
Genome position (GRCh38, 1-based): chrX:68,840,448, G>A. VCF-style: chrX-68840448-G-A. GRCh37 (hg19) VCF-style: chrX-68060291-G-A.
Other names: short protein forms A279T.
Identifiers: ClinVar variation 2819663 (VCV002819663.3), dbSNP rs2519540210, ClinGen allele CA413438828.

ClinVar aggregate classification (germline): Uncertain significance (1 of 4 stars; one submission).

Submission:

Labcorp Genetics (formerly Invitae), Labcorp
Classification: Uncertain significance. Last evaluated: 2024-01-21. Review status: criteria provided, single submitter. Criteria: Invitae Variant Classification Sherloc (09022015). Collection method: clinical testing. Allele origin: germline.
Comment: This sequence change replaces alanine, which is neutral and non-polar, with threonine, which is neutral and polar, at codon 279 of the EFNB1 protein (p.Ala279Thr). This variant is not present in population databases (gnomAD no frequency). This variant has not been reported in the literature in individuals affected with EFNB1-related conditions. Advanced modeling of protein sequence and biophysical properties (such as structural, functional, and spatial information, amino acid conservation, physicochemical variation, residue mobility, and thermodynamic stability) performed at Invitae indicates that this missense variant is not expected to disrupt EFNB1 protein function with a negative predictive value of 80%. In summary, the available evidence is currently insufficient to determine the role of this variant in disease. Therefore, it has been classified as a Variant of Uncertain Significance.